The following is an entry in ClinVar:

ClinVar aggregate classification (germline): Benign/Likely benign. Review status: criteria provided, multiple submitters, no conflicts (2 of 4 stars). 3 submissions from 3 submitters: Benign (1); Likely benign (1). 1 of the submissions does not count toward it. Last evaluated 2026-06-05.

Conditions:
VAPB-related disorder. Also called: VAPB-related condition.
Amyotrophic lateral sclerosis type 8 (ALS8). Identifiers: Orphanet 803, MedGen C1837728, MONDO:0012077, OMIM 608627.
Adult-onset proximal spinal muscular atrophy, autosomal dominant. Also called: FINKEL LATE-ADULT TYPE SMA; Spinal muscular atrophy, late-onset, finkel type. Identifiers: Orphanet 209335, MedGen C1854058, MONDO:0008453, OMIM 182980.

Allele frequency attached by ClinVar (database versions not stated): gnomAD exomes 0.00003 and 0.00008; ExAC 0.00008; gnomAD 0.00022 and 0.00023; TOPMed 0.00029; ESP Exome Variant Server 0.00038; 1000 Genomes Project 30x 0.00062; 1000 Genomes Project 0.00080.
gnomAD v4.1: 73 of 1,614,038 alleles (0.0045%); highest among the groups gnomAD compares: African/African-American, 0.075%; no homozygotes.

Submissions (3):

Women's Health and Genetics/Laboratory Corporation of America, LabCorp
Classification: Likely benign. Last evaluated: 2026-06-05. Review status: criteria provided, single submitter. Criteria: LabCorp Variant Classification Summary - May 2015. Collection method: clinical testing. Allele origin: germline.

Labcorp Genetics (formerly Invitae), Labcorp
Classification: Benign for Adult-onset proximal spinal muscular atrophy, autosomal dominant; Amyotrophic lateral sclerosis type 8. Last evaluated: 2025-06-24. Review status: criteria provided, single submitter. Criteria: Invitae Variant Classification Sherloc (09022015). Collection method: clinical testing. Allele origin: germline.

PreventionGenetics, part of Exact Sciences
Classification: Likely benign for VAPB-related condition. Last evaluated: 2024-04-24. Review status: no assertion criteria provided. Collection method: clinical testing. Allele origin: germline. Not counted in ClinVar's aggregate classification.
Comment: This variant is classified as likely benign based on ACMG/AMP sequence variant interpretation guidelines (Richards et al. 2015 PMID: 25741868, with internal and published modifications).

NM_004738.5(VAPB):c.105G>A (p.Pro35=)

Gene: VAPB (VAMP associated protein B and C; plus strand). Cytogenetic location: 20q13.32.
Variant type: single nucleotide variant.
Coding change: c.105G>A on transcript NM_004738.5 (MANE Select); coding-DNA position 105, G replaced by A.
Protein change: p.Pro35=; no amino-acid change (proline 35 retained).
Molecular consequence: synonymous variant. On other transcripts: non-coding transcript variant (1).
Genome position (GRCh38, 1-based): chr20:58,418,257, G>A. VCF-style: chr20-58418257-G-A. GRCh37 (hg19) VCF-style: chr20-56993313-G-A.
Other names: c.105G>A, p.Pro35= (NM_001195677.2).
Identifiers: ClinVar variation 702264 (VCV000702264.15), dbSNP rs141383583, ClinGen allele CA9924171.